The following is an entry in ClinVar:

NM_001130438.3(SPTAN1):c.3580-279C>G

Gene: SPTAN1 (spectrin alpha, non-erythrocytic 1; plus strand). Cytogenetic location: 9q34.11.
Variant type: single nucleotide variant.
Coding change: c.3580-279C>G on transcript NM_001130438.3 (MANE Select); 279 bases into the intron before coding-DNA position 3580, C replaced by G.
Molecular consequence: intron variant.
Genome position (GRCh38, 1-based): chr9:128,603,264, C>G. VCF-style: chr9-128603264-C-G. GRCh37 (hg19) VCF-style: chr9-131365543-C-G.
Other names: c.3580-279C>G (NM_001363759.2, NM_003127.4); c.3520-279C>G (NM_001363765.2, NM_001195532.2).
Identifiers: ClinVar variation 680974 (VCV000680974.1), dbSNP rs78856736, ClinGen allele CA15597050.

ClinVar aggregate classification (germline): Benign (1 of 4 stars; one submission).

Allele frequency attached by ClinVar (database versions not stated): 1000 Genomes Project 30x 0.02592; 1000 Genomes Project 0.02256; gnomAD 0.02447; TOPMed 0.02565.
gnomAD v4.1: 3,389 of 151,798 alleles (2.2%); highest among the groups gnomAD compares: African/African-American, 7.8%; 111 homozygotes.

Submission:

GeneDx
Classification: Benign. Last evaluated: 2018-06-19. Review status: criteria provided, single submitter. Criteria: GeneDx Variant Classification (06012015). Collection method: clinical testing. Allele origin: germline. Affected: yes.
Comment: This variant is considered likely benign or benign based on one or more of the following criteria: it is a conservative change, it occurs at a poorly conserved position in the protein, it is predicted to be benign by multiple in silico algorithms, and/or has population frequency not consistent with disease.